The following is an entry in ClinVar:

ClinVar aggregate classification (germline): Uncertain significance. Review status: criteria provided, multiple submitters, no conflicts (2 of 4 stars). 2 submissions from 2 submitters: Uncertain significance (2). Last evaluated 2025-12-20.

Conditions:
Inborn genetic diseases. Identifiers: MedGen C0950123, MeSH D030342.

Allele frequency attached by ClinVar (database versions not stated): gnomAD exomes 0.00001; TOPMed 0.00002; ExAC 0.00001; gnomAD 0.00001; ESP Exome Variant Server 0.00008.
gnomAD v4.1: 13 of 1,613,882 alleles (0.00081%); highest among the groups gnomAD compares: Middle Eastern, 0.016%; no homozygotes.

Submissions (2):

Labcorp Genetics (formerly Invitae), Labcorp
Classification: Uncertain significance. Last evaluated: 2025-12-20. Review status: criteria provided, single submitter. Criteria: Invitae Variant Classification Sherloc (09022015). Collection method: clinical testing. Allele origin: germline.
Comment: This sequence change replaces lysine, which is basic and polar, with asparagine, which is neutral and polar, at codon 186 of the MBD4 protein (p.Lys186Asn). This variant is present in population databases (rs368399887, gnomAD 0.004%). This variant has not been reported in the literature in individuals affected with MBD4-related conditions. ClinVar contains an entry for this variant (Variation ID: 2785195). An algorithm developed to predict the effect of missense changes on protein structure and function outputs the following: PolyPhen-2: "Benign". The asparagine amino acid residue is found in multiple mammalian species, which suggests that this missense change does not adversely affect protein function. In summary, the available evidence is currently insufficient to determine the role of this variant in disease. Therefore, it has been classified as a Variant of Uncertain Significance.

Ambry Genetics
Classification: Uncertain significance for Inborn genetic diseases. Last evaluated: 2025-08-02. Review status: criteria provided, single submitter. Criteria: Ambry Variant Classification Scheme 2023. Collection method: clinical testing. Allele origin: germline.

NM_001276270.2(MBD4):c.558G>C (p.Lys186Asn)

Gene: MBD4 (methyl-CpG binding domain 4, DNA glycosylase; minus strand). Cytogenetic location: 3q21.3.
Variant type: single nucleotide variant.
Coding change: c.558G>C on transcript NM_001276270.2 (MANE Select); coding-DNA position 558, G replaced by C.
Protein change: p.Lys186Asn; replaces lysine 186 with asparagine.
Molecular consequence: missense variant. On other transcripts: intron variant (1).
Genome position (GRCh38, 1-based): chr3:129,437,086, C>G on the plus strand (G>C on the coding strand, the complement: MBD4 is on the minus strand). VCF-style: chr3-129437086-C-G. GRCh37 (hg19) VCF-style: chr3-129155929-C-G.
Other names: c.558G>C, p.Lys186Asn (NM_001276271.2, NM_001276272.2, NM_003925.3); c.247+722G>C (NM_001276273.2); short protein forms K186N.
Identifiers: ClinVar variation 2785195 (VCV002785195.5), dbSNP rs368399887, ClinGen allele CA2605510.
Genomic context (GRCh38, chr3:129,437,086, plus strand): 5'-GTTAGAGAGTCCTCTGCTCTCCTGCAACTCTGAACTACTACTTGGCGGCATAAACACATC[C>G]TTTTTGCACTTGCTTCGGGTCCTGAGGTTCCAGTTTGAATTGTTACTTTGGTTTTGTAGA-3'
Protein context (NP_001263199.1, residues 176-196): WNLRTRSKCK[Lys186Asn]DVFMPPSSSS